The following is an entry in ClinVar:

NM_000341.4(SLC3A1):c.1187A>C (p.Tyr396Ser)

Gene: SLC3A1 (solute carrier family 3 member 1; plus strand). Cytogenetic location: 2p21.
Variant type: single nucleotide variant.
Coding change: c.1187A>C on transcript NM_000341.4 (MANE Select); coding-DNA position 1187, A replaced by C.
Protein change: p.Tyr396Ser; replaces tyrosine 396 with serine.
Molecular consequence: missense variant.
Genome position (GRCh38, 1-based): chr2:44,304,193, A>C. VCF-style: chr2-44304193-A-C. GRCh37 (hg19) VCF-style: chr2-44531332-A-C.
Other names: short protein forms Y396S.
Identifiers: ClinVar variation 4747938 (VCV004747938.1).
Genomic context (GRCh38, chr2:44,304,193, plus strand): 5'-ACTCTTATAGGTTCATGGGGACTGAAGCCTATGCAGAGAGTATTGACAGGACCGTGATGT[A>C]CTATGGATTGCCATTTATCCAAGAAGCTGATTTTCCCTTCAACAATTACCTCAGCATGCT-3'
Protein context (NP_000332.2, residues 386-406): YAESIDRTVM[Tyr396Ser]YGLPFIQEAD

ClinVar aggregate classification (germline): Uncertain significance (1 of 4 stars; one submission).

Conditions:
Cystinuria (CSNU). Also called: CYSTINURIA, TYPE I; CYSTINURIA, TYPE II; CYSTINURIA, TYPE III; Cystinuria, non-type I. Identifiers: Orphanet 214, MedGen C0010691, MONDO:0009067, OMIM 220100, HP:0003131.

gnomAD v4.1: 5 of 1,614,098 alleles (0.00031%); highest among the groups gnomAD compares: East Asian, 0.0022%; no homozygotes.

Submission:

Labcorp Genetics (formerly Invitae), Labcorp
Classification: Uncertain significance for Cystinuria. Last evaluated: 2025-07-29. Review status: criteria provided, single submitter. Criteria: Invitae Variant Classification Sherloc (09022015). Collection method: clinical testing. Allele origin: germline.
Comment: This sequence change replaces tyrosine, which is neutral and polar, with serine, which is neutral and polar, at codon 396 of the SLC3A1 protein (p.Tyr396Ser). This variant is not present in population databases (gnomAD no frequency). This variant has not been reported in the literature in individuals affected with SLC3A1-related conditions. Invitae Evidence Modeling of protein sequence and biophysical properties (such as structural, functional, and spatial information, amino acid conservation, physicochemical variation, residue mobility, and thermodynamic stability) has been performed for this missense variant. However, the output from this modeling did not meet the statistical confidence thresholds required to predict the impact of this variant on SLC3A1 protein function. In summary, the available evidence is currently insufficient to determine the role of this variant in disease. Therefore, it has been classified as a Variant of Uncertain Significance.